The following is an entry in ClinVar:

NM_000059.4(BRCA2):c.2134_2137dup (p.Gln713fs)

Gene: BRCA2 (BRCA2 DNA repair associated; plus strand). Cytogenetic location: 13q13.1.
Variant type: Duplication.
Coding change: c.2134_2137dup on transcript NM_000059.4 (MANE Select); coding-DNA positions 2134 to 2137, 4 bases duplicated (CTGC; older notation c.2134_2137dupCTGC).
Protein change: p.Gln713fs; shifts the reading frame from glutamine 713.
Molecular consequence: frameshift variant.
Genome position (GRCh38, 1-based): chr13:32,336,489-32,336,492, CTGC duplicated; duplicating any 4 consecutive bases within chr13:32,336,486-32,336,492 gives the same sequence; the c. name uses the placement nearest the transcript's 3' end. VCF-style (leftmost placement, unchanged base first): chr13-32336485-A-ATGCC. GRCh37 (hg19) VCF-style: chr13-32910622-A-ATGCC.
Other names: c.2134_2137dupCTGC (NM_000059.4); short protein forms Q713fs.
Identifiers: ClinVar variation 1352286 (VCV001352286.10), dbSNP rs2137483571, ClinGen allele CA2573149363.
Genomic context (GRCh38, chr13:32,336,485, plus strand): 5'-AGCAAAATGTAATAAGGAAAAACTACAGTTATTTATTACCCCAGAAGCTGATTCTCTGTC[A>ATGCC]TGCCTGCAGGAAGGACAGTGTGAAAATGATCCAAAAAGCAAAAAAGTTTCAGATATAAAA-3'

ClinVar aggregate classification (germline): Pathogenic. Review status: criteria provided, multiple submitters, no conflicts (2 of 4 stars). 3 submissions from 3 submitters: Pathogenic (3). Last evaluated 2025-01-13.

Conditions:
Hereditary cancer-predisposing syndrome. Also called: Neoplastic Syndromes, Hereditary; Tumor predisposition; Hereditary neoplastic syndrome; Hereditary Cancer Syndrome. Identifiers: Orphanet 140162, MedGen C0027672, MeSH D009386, MONDO:0015356.
Hereditary breast ovarian cancer syndrome. Also called: BRCA1- and BRCA2-Associated Hereditary Breast and Ovarian Cancer; Hereditary breast and ovarian cancer; Hereditary breast and ovarian cancer syndrome; Hereditary breast and ovarian cancer syndrome (HBOC); Breast and ovarian cancer; Hereditary breast and/or ovarian cancer syndrome. Identifiers: Orphanet 145, MedGen C0677776, MeSH D061325, MONDO:0003582. Disease mechanism: loss of function.

Submissions (3):

Women's Health and Genetics/Laboratory Corporation of America, LabCorp
Classification: Pathogenic for Hereditary breast ovarian cancer syndrome. Last evaluated: 2025-01-13. Review status: criteria provided, single submitter. Criteria: LabCorp Variant Classification Summary - May 2015. Collection method: clinical testing. Allele origin: germline.
Comment: Variant summary: BRCA2 c.2134_2137dupCTGC (p.Gln713ProfsX7) results in a premature termination codon, predicted to cause a truncation of the encoded protein or absence of the protein due to nonsense mediated decay, which are commonly known mechanisms for disease. The variant was absent in 251022 control chromosomes. To our knowledge, no occurrence of c.2134_2137dupCTGC in individuals affected with Hereditary Breast And Ovarian Cancer Syndrome and no experimental evidence demonstrating its impact on protein function have been reported. ClinVar contains an entry for this variant (Variation ID: 1352286). Based on the evidence outlined above, the variant was classified as pathogenic.

Labcorp Genetics (formerly Invitae), Labcorp
Classification: Pathogenic for Hereditary breast ovarian cancer syndrome. Last evaluated: 2022-08-20. Review status: criteria provided, single submitter. Criteria: Invitae Variant Classification Sherloc (09022015). Collection method: clinical testing. Allele origin: germline.
Comment: This sequence change creates a premature translational stop signal (p.Gln713Profs*7) in the BRCA2 gene. It is expected to result in an absent or disrupted protein product. Loss-of-function variants in BRCA2 are known to be pathogenic (PMID: 20104584). For these reasons, this variant has been classified as Pathogenic. ClinVar contains an entry for this variant (Variation ID: 1352286). This variant has not been reported in the literature in individuals affected with BRCA2-related conditions. This variant is not present in population databases (gnomAD no frequency).

Ambry Genetics
Classification: Pathogenic for Hereditary cancer-predisposing syndrome. Last evaluated: 2020-11-05. Review status: criteria provided, single submitter. Criteria: Ambry Variant Classification Scheme 2023. Collection method: clinical testing. Allele origin: germline.
Comment: The c.2134_2137dupCTGC pathogenic mutation, located in coding exon 10 of the BRCA2 gene, results from a duplication of CTGC at nucleotide positions 2134 to 2137, causing a translational frameshift with a predicted alternate stop codon (p.Q713Pfs*7). This alteration is expected to result in loss of function by premature protein truncation or nonsense-mediated mRNA decay. As such, this alteration is interpreted as a disease-causing mutation.

Literature cited by the submitters: PubMed 20104584 (cited by Labcorp Genetics (formerly Invitae), Labcorp).